The following is an entry in ClinVar:

NM_182961.4(SYNE1):c.1532G>A (p.Arg511His)

Gene: SYNE1 (spectrin repeat containing nuclear envelope protein 1; minus strand). Cytogenetic location: 6q25.2.
Variant type: single nucleotide variant.
Coding change: c.1532G>A on transcript NM_182961.4 (MANE Select); coding-DNA position 1532, G replaced by A.
Protein change: p.Arg511His; replaces arginine 511 with histidine.
Molecular consequence: missense variant.
Genome position (GRCh38, 1-based): chr6:152,471,697, C>T on the plus strand (G>A on the coding strand, the complement: SYNE1 is on the minus strand). VCF-style: chr6-152471697-C-T. GRCh37 (hg19) VCF-style: chr6-152792832-C-T.
Other names: c.1553G>A, p.Arg518His (NM_033071.5); short protein forms R511H, R518H.
Identifiers: ClinVar variation 1054103 (VCV001054103.9), dbSNP rs1432273399, ClinGen allele CA366133246.

ClinVar aggregate classification (germline): Uncertain significance (1 of 4 stars; one submission).

Conditions:
Emery-Dreifuss muscular dystrophy 4, autosomal dominant (EDMD4). Also called: EMERY-DREIFUSS MUSCULAR DYSTROPHY 4 WITH VARIABLE FEATURES. Identifiers: Orphanet 261, MedGen C2751807, MONDO:0013071, OMIM 612998.
Autosomal recessive ataxia, Beauce type. Also called: Spinocerebellar ataxia, autosomal recessive 8; ATAXIA, RECESSIVE, OF BEAUCE; SYNE1 Deficiency; SYNE1-Related Autosomal Recessive Cerebellar Ataxia. Identifiers: Orphanet 88644, MedGen C1853116, MONDO:0012549, OMIM 610743.

Allele frequency attached by ClinVar (database versions not stated): gnomAD exomes below 0.00001 and 0.00001; TOPMed below 0.00001.
gnomAD v4.1: 8 of 1,613,840 alleles (0.0005%); highest among the groups gnomAD compares: South Asian, 0.0011%; no homozygotes.

Submission:

Labcorp Genetics (formerly Invitae), Labcorp
Classification: Uncertain significance for Emery-Dreifuss muscular dystrophy 4, autosomal dominant; Autosomal recessive ataxia, Beauce type. Last evaluated: 2024-10-24. Review status: criteria provided, single submitter. Criteria: Invitae Variant Classification Sherloc (09022015). Collection method: clinical testing. Allele origin: germline.
Comment: This sequence change replaces arginine, which is basic and polar, with histidine, which is basic and polar, at codon 518 of the SYNE1 protein (p.Arg518His). This variant is present in population databases (no rsID available, gnomAD 0.003%). This variant has not been reported in the literature in individuals affected with SYNE1-related conditions. ClinVar contains an entry for this variant (Variation ID: 1054103). An algorithm developed to predict the effect of missense changes on protein structure and function (PolyPhen-2) suggests that this variant is likely to be disruptive. In summary, the available evidence is currently insufficient to determine the role of this variant in disease. Therefore, it has been classified as a Variant of Uncertain Significance.